The following is an entry in ClinVar:

NM_001358921.2(COQ2):c.1012A>G (p.Thr338Ala)

Gene: COQ2 (coenzyme Q2, polyprenyltransferase; minus strand). Cytogenetic location: 4q21.23.
Variant type: single nucleotide variant.
Coding change: c.1012A>G on transcript NM_001358921.2 (MANE Select); coding-DNA position 1012, A replaced by G.
Protein change: p.Thr338Ala; replaces threonine 338 with alanine.
Molecular consequence: missense variant.
Genome position (GRCh38, 1-based): chr4:83,264,303, T>C on the plus strand (A>G on the coding strand, the complement: COQ2 is on the minus strand). VCF-style: chr4-83264303-T-C. GRCh37 (hg19) VCF-style: chr4-84185456-T-C.
Other names: c.1162A>G, p.Thr388Ala (NM_015697.9); c.1162A>G (NM_015697.7); short protein forms T388A, T338A.
Identifiers: ClinVar variation 1472809 (VCV001472809.8), dbSNP rs757878117, ClinGen allele CA2988452.
Genomic context (GRCh38, chr4:83,264,303, plus strand): 5'-TCTTCTTTTCTTTCCACAAATTCCCAAGGACAATCCCTAAAAAAACTATTAGTCCCAGTG[T>C]TCGGTTGGAGATAAATTTATTCCAACAATCCTCAGGTCTGTGGATGTCTAGAGTGTAAAT-3'
Protein context (NP_001345850.1, residues 328-348): DCWNKFISNR[Thr338Ala]LGLIVFLGIV

ClinVar aggregate classification (germline): Uncertain significance. Review status: criteria provided, multiple submitters, no conflicts (2 of 4 stars). 2 submissions from 2 submitters: Uncertain significance (2). Last evaluated 2024-03-01.

Conditions:
Inborn genetic diseases. Identifiers: MedGen C0950123, MeSH D030342.

Allele frequency attached by ClinVar (database versions not stated): gnomAD exomes 0.00001; TOPMed 0.00001; ExAC 0.00002; gnomAD 0.00003.
gnomAD v4.1: 13 of 1,612,572 alleles (0.00081%); highest among the groups gnomAD compares: Non-Finnish European, 0.0011%; no homozygotes.

Submissions (2):

Labcorp Genetics (formerly Invitae), Labcorp
Classification: Uncertain significance. Last evaluated: 2024-03-01. Review status: criteria provided, single submitter. Criteria: Invitae Variant Classification Sherloc (09022015). Collection method: clinical testing. Allele origin: germline.
Comment: This sequence change replaces threonine, which is neutral and polar, with alanine, which is neutral and non-polar, at codon 388 of the COQ2 protein (p.Thr388Ala). This variant is present in population databases (rs757878117, gnomAD 0.002%). This variant has not been reported in the literature in individuals affected with COQ2-related conditions. ClinVar contains an entry for this variant (Variation ID: 1472809). Advanced modeling of protein sequence and biophysical properties (such as structural, functional, and spatial information, amino acid conservation, physicochemical variation, residue mobility, and thermodynamic stability) performed at Invitae indicates that this missense variant is not expected to disrupt COQ2 protein function with a negative predictive value of 80%. In summary, the available evidence is currently insufficient to determine the role of this variant in disease. Therefore, it has been classified as a Variant of Uncertain Significance.

Ambry Genetics
Classification: Uncertain significance for Inborn genetic diseases. Last evaluated: 2023-12-28. Review status: criteria provided, single submitter. Criteria: Ambry Variant Classification Scheme 2023. Collection method: clinical testing. Allele origin: germline.